The following is an entry in ClinVar:

NM_000170.3(GLDC):c.1261+5G>C

Gene: GLDC (glycine decarboxylase; minus strand). Cytogenetic location: 9p24.1.
Variant type: single nucleotide variant.
Coding change: c.1261+5G>C on transcript NM_000170.3 (MANE Select); 5 bases into the intron after coding-DNA position 1261, G replaced by C.
Molecular consequence: intron variant.
Genome position (GRCh38, 1-based): chr9:6,595,009, C>G on the plus strand (G>C on the coding strand, the complement: GLDC is on the minus strand). VCF-style: chr9-6595009-C-G. GRCh37 (hg19) VCF-style: chr9-6595009-C-G.
Identifiers: ClinVar variation 2637300 (VCV002637300.1), dbSNP rs1563852440, ClinGen allele CA2695201539.

ClinVar aggregate classification (germline): Uncertain significance (1 of 4 stars; one submission).

Conditions:
GLDC-related disorder. Also called: GLDC-related condition.

Submission:

PreventionGenetics, part of Exact Sciences
Classification: Uncertain significance for GLDC-related condition. Last evaluated: 2023-02-01. Review status: criteria provided, single submitter. Criteria: ACMG Guidelines, 2015. Collection method: clinical testing. Allele origin: germline.
Comment: The GLDC c.1261+5G>C variant is predicted to interfere with splicing. To our knowledge, this variant has not been reported in the literature or in a large population database, indicating this variant is rare. At this time, the clinical significance of this variant is uncertain due to the absence of conclusive functional and genetic evidence.